The following is an entry in ClinVar:

NM_004260.4(RECQL4):c.875T>C (p.Val292Ala)

Gene: RECQL4 (RecQ like helicase 4; minus strand). Cytogenetic location: 8q24.3.
Variant type: single nucleotide variant.
Coding change: c.875T>C on transcript NM_004260.4 (MANE Select); coding-DNA position 875, T replaced by C.
Protein change: p.Val292Ala; replaces valine 292 with alanine.
Molecular consequence: missense variant.
Genome position (GRCh38, 1-based): chr8:144,516,244, A>G on the plus strand (T>C on the coding strand, the complement: RECQL4 is on the minus strand). VCF-style: chr8-144516244-A-G. GRCh37 (hg19) VCF-style: chr8-145741628-A-G.
Other names: short protein forms V292A.
Identifiers: ClinVar variation 657123 (VCV000657123.6), dbSNP rs1319653117, ClinGen allele CA372688848.

ClinVar aggregate classification (germline): Conflicting classifications of pathogenicity. Review status: criteria provided, conflicting classifications (1 of 4 stars). 2 submissions from 2 submitters: Uncertain significance (1); Likely benign (1). Last evaluated 2025-10-07.

Conditions:
Inborn genetic diseases. Identifiers: MedGen C0950123, MeSH D030342.
Baller-Gerold syndrome (BGS). Also called: CRANIOSYNOSTOSIS WITH RADIAL DEFECTS. Identifiers: Orphanet 1225, MedGen C0265308, MONDO:0009039, OMIM 218600.

Allele frequency attached by ClinVar (database versions not stated): gnomAD exomes below 0.00001; TOPMed below 0.00001; gnomAD 0.00001.
gnomAD v4.1: 2 of 1,612,718 alleles (0.00012%); highest among the groups gnomAD compares: Non-Finnish European, 0.00017%; no homozygotes.

Submissions (2):

Ambry Genetics
Classification: Likely benign for Inborn genetic diseases. Last evaluated: 2025-10-07. Review status: criteria provided, single submitter. Criteria: Ambry Variant Classification Scheme 2023. Collection method: clinical testing. Allele origin: germline.

Labcorp Genetics (formerly Invitae), Labcorp
Classification: Uncertain significance for Baller-Gerold syndrome. Last evaluated: 2022-01-05. Review status: criteria provided, single submitter. Criteria: Invitae Variant Classification Sherloc (09022015). Collection method: clinical testing. Allele origin: germline.
Comment: In summary, the available evidence is currently insufficient to determine the role of this variant in disease. Therefore, it has been classified as a Variant of Uncertain Significance. Algorithms developed to predict the effect of missense changes on protein structure and function output the following: SIFT: "Not Available"; PolyPhen-2: "Not Available"; Align-GVGD: "Not Available". The alanine amino acid residue is found in multiple mammalian species, which suggests that this missense change does not adversely affect protein function. ClinVar contains an entry for this variant (Variation ID: 657123). This variant has not been reported in the literature in individuals affected with RECQL4-related conditions. This variant is not present in population databases (gnomAD no frequency). This sequence change replaces valine, which is neutral and non-polar, with alanine, which is neutral and non-polar, at codon 292 of the RECQL4 protein (p.Val292Ala).